The following is an entry in ClinVar:

NM_002253.4(KDR):c.-1G>T

Gene: KDR (kinase insert domain receptor; minus strand). Cytogenetic location: 4q12.
Variant type: single nucleotide variant.
Coding change: c.-1G>T on transcript NM_002253.4 (MANE Select); 1 bases upstream of the start codon, G replaced by T.
Molecular consequence: 5 prime UTR variant.
Genome position (GRCh38, 1-based): chr4:55,125,294, C>A on the plus strand (G>T on the coding strand, the complement: KDR is on the minus strand). VCF-style: chr4-55125294-C-A. GRCh37 (hg19) VCF-style: chr4-55991461-C-A.
Other names: c.-1G>T (NM_002253.2).
Identifiers: ClinVar variation 135552 (VCV000135552.3), dbSNP rs56233104, ClinGen allele CA163009.
Genomic context (GRCh38, chr4:55,125,294, plus strand): 5'-GGCGGCCCGGGTCTCCACGCAGAGCCACAGGGCGACGGCCAGCAGCACCTTGCTCTGCAT[C>A]CTGCACCTCGAGCCGGGCGAAATGCCCAGAACTCGGGAGCCGGTTCTTTCTCCCAGCGCC-3'

ClinVar aggregate classification (germline): Benign. Review status: no assertion criteria provided (0 of 4 stars). 2 submissions from 2 submitters: Benign (1). 1 of the submissions does not count toward it. Last evaluated 2024-07-23.

Conditions:
KDR-related disorder. Also called: KDR-related condition.

Allele frequency attached by ClinVar (database versions not stated): 1000 Genomes Project 0.01917; 1000 Genomes Project 30x 0.01983; gnomAD exomes 0.03681; gnomAD 0.03704 and 0.03835; TOPMed 0.03715; ESP Exome Variant Server 0.04145; ExAC 0.04754.
gnomAD v4.1: 80,394 of 1,611,238 alleles (5%); highest among the groups gnomAD compares: Non-Finnish European, 6%; 2,284 homozygotes.

Submissions (2):

PreventionGenetics, part of Exact Sciences
Classification: Benign for KDR-related condition. Last evaluated: 2024-07-23. Review status: no assertion criteria provided. Collection method: clinical testing. Allele origin: germline.
Comment: This variant is classified as benign based on ACMG/AMP sequence variant interpretation guidelines (Richards et al. 2015 PMID: 25741868, with internal and published modifications).

ITMI
No classification provided. Condition: AllHighlyPenetrant. Last evaluated: 2013-09-19. Review status: no classification provided. Collection method: reference population. Allele origin: germline. Not counted in ClinVar's aggregate classification.
Comment: Please see associated publication for description of ethnicities

Literature cited by the submitters: PubMed 24728327 (cited by ITMI).